The following is an entry in ClinVar:

ClinVar aggregate classification (germline): Pathogenic (1 of 4 stars; one submission).

Conditions:
Arrhythmogenic cardiomyopathy with wooly hair and keratoderma. Also called: Arrhythmogenic cardiomyopathy with woolly hair and keratoderma; PALMOPLANTAR KERATODERMA WITH LEFT VENTRICULAR CARDIOMYOPATHY AND WOOLLY HAIR; Carvajal syndrome; Dilated cardiomyopathy with woolly hair and keratoderma. Identifiers: Orphanet 65282, MedGen C1854063, MONDO:0011581, OMIM 605676.
Arrhythmogenic right ventricular dysplasia 8 (ARVD8). Also called: Arrhythmogenic Right Ventricular Dysplasia/Cardiomyopathy 8; ARRHYTHMOGENIC RIGHT VENTRICULAR DYSPLASIA, FAMILIAL, 8; ARRHYTHMOGENIC RIGHT VENTRICULAR CARDIOMYOPATHY 8. Identifiers: MedGen C1843896, MONDO:0011831, OMIM 607450.

Submission:

Labcorp Genetics (formerly Invitae), Labcorp
Classification: Pathogenic for Arrhythmogenic cardiomyopathy with wooly hair and keratoderma; Arrhythmogenic right ventricular dysplasia 8. Last evaluated: 2023-04-09. Review status: criteria provided, single submitter. Criteria: Invitae Variant Classification Sherloc (09022015). Collection method: clinical testing. Allele origin: germline.
Comment: For these reasons, this variant has been classified as Pathogenic. This variant has not been reported in the literature in individuals affected with DSP-related conditions. This variant is not present in population databases (gnomAD no frequency). This sequence change creates a premature translational stop signal (p.Leu1177Tyrfs*19) in the DSP gene. It is expected to result in an absent or disrupted protein product. Loss-of-function variants in DSP are known to be pathogenic (PMID: 20716751, 24503780, 25227139).

Literature cited by the submitters: PubMed 20716751; PubMed 24503780; PubMed 25227139.

NM_004415.4(DSP):c.3529del (p.Leu1177fs)

Gene: DSP (desmoplakin; plus strand). Cytogenetic location: 6p24.3.
Variant type: Deletion.
Coding change: c.3529del on transcript NM_004415.4 (MANE Select); coding-DNA position 3529, one base deleted (C; older notation c.3529delC).
Protein change: p.Leu1177fs; shifts the reading frame from leucine 1177.
Molecular consequence: frameshift variant.
Genome position (GRCh38, 1-based): chr6:7,579,719, C deleted. VCF-style (leftmost placement, unchanged base first): chr6-7579718-TC-T. GRCh37 (hg19) VCF-style: chr6-7579951-TC-T.
Other names: c.3529del, p.Leu1177fs (NM_001008844.3, NM_001319034.2); short protein forms L1177fs.
Identifiers: ClinVar variation 2941971 (VCV002941971.3), dbSNP rs2533924188, ClinGen allele CA2740094257.